The following is an entry in ClinVar:

NM_018975.4(TERF2IP):c.507G>C (p.Lys169Asn)

Gene: TERF2IP (TERF2 interacting protein; plus strand). Cytogenetic location: 16q23.1.
Variant type: single nucleotide variant.
Coding change: c.507G>C on transcript NM_018975.4 (MANE Select); coding-DNA position 507, G replaced by C.
Protein change: p.Lys169Asn; replaces lysine 169 with asparagine.
Molecular consequence: missense variant. On other transcripts: non-coding transcript variant (1).
Genome position (GRCh38, 1-based): chr16:75,648,389, G>C. VCF-style: chr16-75648389-G-C. GRCh37 (hg19) VCF-style: chr16-75682287-G-C.
Other names: short protein forms K169N.
Identifiers: ClinVar variation 1745210 (VCV001745210.2), dbSNP rs1434351636, ClinGen allele CA396818052.

ClinVar aggregate classification (germline): Uncertain significance (1 of 4 stars; one submission).

Submission:

Ambry Genetics
Classification: Uncertain significance. Last evaluated: 2021-10-26. Review status: criteria provided, single submitter. Criteria: Ambry Variant Classification Scheme 2023. Collection method: clinical testing. Allele origin: germline.
Comment: The p.K169N variant (also known as c.507G>C), located in coding exon 1 of the TERF2IP gene, results from a G to C substitution at nucleotide position 507. The lysine at codon 169 is replaced by asparagine, an amino acid with similar properties. This amino acid position is conserved. In addition, this alteration is predicted to be tolerated by in silico analysis. Since supporting evidence is limited at this time, the clinical significance of this alteration remains unclear.